The following is an entry in ClinVar:

NM_001377.3(DYNC2H1):c.6149C>G (p.Ser2050Ter)

Gene: DYNC2H1 (dynein cytoplasmic 2 heavy chain 1; plus strand). Cytogenetic location: 11q22.3.
Variant type: single nucleotide variant.
Coding change: c.6149C>G on transcript NM_001377.3 (MANE Select); coding-DNA position 6149, C replaced by G.
Protein change: p.Ser2050Ter; replaces serine 2050 with a stop codon.
Molecular consequence: nonsense.
Genome position (GRCh38, 1-based): chr11:103,179,035, C>G. VCF-style: chr11-103179035-C-G. GRCh37 (hg19) VCF-style: chr11-103049764-C-G.
Other names: c.6149C>G, p.Ser2050Ter (NM_001080463.2); short protein forms S2050*.
Identifiers: ClinVar variation 2828548 (VCV002828548.3), dbSNP rs768951961, ClinGen allele CA6253918.

ClinVar aggregate classification (germline): Pathogenic (1 of 4 stars; one submission).

Conditions:
Jeune thoracic dystrophy. Also called: Jeune syndrome; Infantile thoracic dystrophy; Thoracic pelvic phalangeal dystrophy; Jeune's syndrome; Chondroectodermal dysplasia-like syndrome; Short-rib thoracic dysplasia. Identifiers: Orphanet 474, MedGen C0265275, MONDO:0018770.

Allele frequency attached by ClinVar (database versions not stated): gnomAD exomes below 0.00001; ExAC 0.00001.
gnomAD v4.1: 2 of 1,607,316 alleles (0.00012%); highest among the groups gnomAD compares: Admixed American, 0.0017%; no homozygotes.

Submission:

Labcorp Genetics (formerly Invitae), Labcorp
Classification: Pathogenic for Jeune thoracic dystrophy. Last evaluated: 2024-02-14. Review status: criteria provided, single submitter. Criteria: Invitae Variant Classification Sherloc (09022015). Collection method: clinical testing. Allele origin: germline.
Comment: This sequence change creates a premature translational stop signal (p.Ser2050*) in the DYNC2H1 gene. It is expected to result in an absent or disrupted protein product. Loss-of-function variants in DYNC2H1 are known to be pathogenic (PMID: 23339108, 32753734, 33755199). This variant is present in population databases (rs768951961, gnomAD 0.003%). This variant has not been reported in the literature in individuals affected with DYNC2H1-related conditions. For these reasons, this variant has been classified as Pathogenic.

Literature cited by the submitters: PubMed 23339108; PubMed 32753734; PubMed 33755199.